The following is an entry in ClinVar:

ClinVar aggregate classification (germline): Uncertain significance (1 of 4 stars; one submission).

Conditions:
Nephronophthisis. Also called: Juvenile Nephronophthisis. Identifiers: Orphanet 655, MedGen C0687120, MONDO:0019005, HP:0000090.

gnomAD v4.1: 1 of 1,595,556 alleles (0.000063%); highest among the groups gnomAD compares: African/African-American, 0.0013%; no homozygotes.

Submission:

Labcorp Genetics (formerly Invitae), Labcorp
Classification: Uncertain significance for Nephronophthisis. Last evaluated: 2022-02-28. Review status: criteria provided, single submitter. Criteria: Invitae Variant Classification Sherloc (09022015). Collection method: clinical testing. Allele origin: germline.
Comment: In summary, the available evidence is currently insufficient to determine the role of this variant in disease. Therefore, it has been classified as a Variant of Uncertain Significance. Algorithms developed to predict the effect of missense changes on protein structure and function (SIFT, PolyPhen-2, Align-GVGD) all suggest that this variant is likely to be tolerated. This variant has not been reported in the literature in individuals affected with NPHP4-related conditions. This variant is not present in population databases (gnomAD no frequency). This sequence change replaces histidine, which is basic and polar, with glutamine, which is neutral and polar, at codon 1056 of the NPHP4 protein (p.His1056Gln).

NM_015102.5(NPHP4):c.3168C>G (p.His1056Gln)

Gene: NPHP4 (nephrocystin 4; minus strand). Cytogenetic location: 1p36.31.
Variant type: single nucleotide variant.
Coding change: c.3168C>G on transcript NM_015102.5 (MANE Select); coding-DNA position 3168, C replaced by G.
Protein change: p.His1056Gln; replaces histidine 1056 with glutamine.
Molecular consequence: missense variant. On other transcripts: non-coding transcript variant (1).
Genome position (GRCh38, 1-based): chr1:5,874,534, G>C on the plus strand (C>G on the coding strand, the complement: NPHP4 is on the minus strand). VCF-style: chr1-5874534-G-C. GRCh37 (hg19) VCF-style: chr1-5934594-G-C.
Other names: c.1629C>G, p.His543Gln (NM_001291593.2); c.1632C>G, p.His544Gln (NM_001291594.2); short protein forms H543Q, H544Q, H1056Q.
Identifiers: ClinVar variation 1944838 (VCV001944838.5), dbSNP rs376351293, ClinGen allele CA338055624.